The following is an entry in ClinVar:

ClinVar aggregate classification (germline): Uncertain significance (1 of 4 stars; one submission).

gnomAD v4.1: 1 of 1,614,060 alleles (0.000062%); highest among the groups gnomAD compares: Admixed American, 0.0017%; no homozygotes.

Submission:

GeneDx
Classification: Uncertain significance. Last evaluated: 2023-07-10. Review status: criteria provided, single submitter. Criteria: GeneDx Variant Classification Process June 2021. Collection method: clinical testing. Allele origin: germline. Affected: yes.
Comment: Not observed at significant frequency in large population cohorts (gnomAD); In silico analysis supports that this missense variant has a deleterious effect on protein structure/function; Has not been previously published as pathogenic or benign to our knowledge

NM_001148.6(ANK2):c.9277A>C (p.Thr3093Pro)

Gene: ANK2 (ankyrin 2; plus strand). Cytogenetic location: 4q26.
Variant type: single nucleotide variant.
Coding change: c.9277A>C on transcript NM_001148.6 (MANE Select); coding-DNA position 9277, A replaced by C.
Protein change: p.Thr3093Pro; replaces threonine 3093 with proline.
Molecular consequence: missense variant. On other transcripts: intron variant (68).
Genome position (GRCh38, 1-based): chr4:113,357,895, A>C. VCF-style: chr4-113357895-A-C. GRCh37 (hg19) VCF-style: chr4-114279051-A-C.
Other names: c.9043A>C, p.Thr3015Pro (NM_001386142.1); c.5677A>C, p.Thr1893Pro (NM_001386166.1); c.9418A>C, p.Thr3140Pro (NM_001386174.1); c.9394A>C, p.Thr3132Pro (NM_001386175.1); c.4412-2928A>C (NM_001386186.2, NM_001386148.2); c.4214-2928A>C (NM_001354269.3); c.4292-2928A>C (NM_001386187.2); c.4253-2928A>C (NM_001386147.1); and 35 more; short protein forms T1893P, T3015P, T3093P, T3132P, T3140P.
Identifiers: ClinVar variation 3360965 (VCV003360965.1).
Genomic context (GRCh38, chr4:113,357,895, plus strand): 5'-AGACAATCACAGGGTACCACCCCTGACACCACTCCTGCTAGGACCCCAACTGAAGAGGGG[A>C]CCCCAACAAGTGAGCAAAACCCATTTCTGTTTCAGGAAGGAAAATTGTTTGAAATGACCC-3'
Protein context (NP_001139.3, residues 3083-3103): TPARTPTEEG[Thr3093Pro]PTSEQNPFLF